The following is an entry in ClinVar:

NM_001172509.2(SATB2):c.1918C>T (p.Pro640Ser)

Genes: SATB2 (SATB homeobox 2; minus strand), LOC126806462 (MED14-independent group 3 enhancer GRCh37_chr2:200136608-200137807; plus strand). Cytogenetic location: 2q33.1.
Variant type: single nucleotide variant.
Coding change: c.1918C>T on transcript NM_001172509.2 (MANE Select); coding-DNA position 1918, C replaced by T.
Protein change: p.Pro640Ser; replaces proline 640 with serine.
Molecular consequence: missense variant.
Genome position (GRCh38, 1-based): chr2:199,272,495, G>A on the plus strand (C>T on the coding strand, the complement: SATB2 is on the minus strand). VCF-style: chr2-199272495-G-A. GRCh37 (hg19) VCF-style: chr2-200137218-G-A.
Other names: c.1918C>T, p.Pro640Ser (NM_001172517.1, NM_015265.4); short protein forms P640S.
Identifiers: ClinVar variation 1718206 (VCV001718206.6), dbSNP rs2468783393, ClinGen allele CA350385714.

ClinVar aggregate classification (germline): Uncertain significance (1 of 4 stars; one submission).

Conditions:
Chromosome 2q32-q33 deletion syndrome (GLASS). Also called: Glass syndrome; 2q33.1 deletion syndrome. Identifiers: Orphanet 251019, MedGen C2676739, MONDO:0012864, OMIM 612313.

Submission:

Labcorp Genetics (formerly Invitae), Labcorp
Classification: Uncertain significance for Chromosome 2q32-q33 deletion syndrome. Last evaluated: 2024-10-23. Review status: criteria provided, single submitter. Criteria: Invitae Variant Classification Sherloc (09022015). Collection method: clinical testing. Allele origin: germline.
Comment: This sequence change replaces proline, which is neutral and non-polar, with serine, which is neutral and polar, at codon 640 of the SATB2 protein (p.Pro640Ser). This variant is not present in population databases (gnomAD no frequency). This variant has not been reported in the literature in individuals affected with SATB2-related conditions. ClinVar contains an entry for this variant (Variation ID: 1718206). Invitae Evidence Modeling of protein sequence and biophysical properties (such as structural, functional, and spatial information, amino acid conservation, physicochemical variation, residue mobility, and thermodynamic stability) indicates that this missense variant is expected to disrupt SATB2 protein function with a positive predictive value of 95%. In summary, the available evidence is currently insufficient to determine the role of this variant in disease. Therefore, it has been classified as a Variant of Uncertain Significance.